The following is an entry in ClinVar:

ClinVar aggregate classification (germline): Conflicting classifications of pathogenicity. Review status: criteria provided, conflicting classifications (1 of 4 stars). 4 submissions from 4 submitters: Uncertain significance (2); Likely benign (2). Last evaluated 2025-06-03.

Conditions:
Charcot-Marie-Tooth disease type 4B2. Also called: Charcot-Marie-Tooth Neuropathy Type 4B2; CMT 4B2; CHARCOT-MARIE-TOOTH DISEASE, DEMYELINATING, TYPE 4B2; CHARCOT-MARIE-TOOTH DISEASE, WITH FOCALLY FOLDED MYELIN SHEATHS, AUTOSOMAL RECESSIVE, TYPE 4B2. Identifiers: Orphanet 99956, MedGen C1858278, MONDO:0011475, OMIM 604563.
Charcot-Marie-Tooth disease type 4. Also called: Charcot-Marie-Tooth, Type 4; Charcot-Marie-Tooth disease, type IV. Identifiers: Orphanet 64749, MedGen C4082197, MONDO:0018995.
SBF2-related disorder. Also called: SBF2-related condition.

Allele frequency attached by ClinVar (database versions not stated): gnomAD exomes below 0.00001; gnomAD 0.00002 and 0.00003; TOPMed 0.00003.
gnomAD v4.1: 78 of 1,613,774 alleles (0.0048%); highest among the groups gnomAD compares: East Asian, 0.058%; no homozygotes.

Submissions (4):

PreventionGenetics, part of Exact Sciences
Classification: Likely benign for SBF2-related condition. Last evaluated: 2025-06-03. Review status: criteria provided, single submitter. Criteria: ACMG Guidelines, 2015. Collection method: clinical testing. Allele origin: germline.
Comment: This variant is classified as likely benign based on ACMG/AMP sequence variant interpretation guidelines (Richards et al. 2015 PMID: 25741868, with internal and published modifications).

CeGaT Center for Human Genetics Tuebingen
Classification: Likely benign. Last evaluated: 2024-01-01. Review status: criteria provided, single submitter. Criteria: CeGaT Center For Human Genetics Tuebingen Variant Classification Criteria Version 2. Collection method: clinical testing. Allele origin: germline. Affected: yes. Observed: 1 variant allele.
Comment: SBF2: BP4, BP7

Labcorp Genetics (formerly Invitae), Labcorp
Classification: Uncertain significance for Charcot-Marie-Tooth disease type 4. Last evaluated: 2022-07-25. Review status: criteria provided, single submitter. Criteria: Invitae Variant Classification Sherloc (09022015). Collection method: clinical testing. Allele origin: germline.
Comment: This sequence change affects codon 1644 of the SBF2 mRNA. It is a 'silent' change, meaning that it does not change the encoded amino acid sequence of the SBF2 protein. It affects a nucleotide within the consensus splice site. This variant is present in population databases (rs757095964, gnomAD 0.0009%). This variant has not been reported in the literature in individuals affected with SBF2-related conditions. ClinVar contains an entry for this variant (Variation ID: 645027). Algorithms developed to predict the effect of sequence changes on RNA splicing suggest that this variant is not likely to affect RNA splicing. In summary, the available evidence is currently insufficient to determine the role of this variant in disease. Therefore, it has been classified as a Variant of Uncertain Significance.

Illumina Laboratory Services, Illumina
Classification: Uncertain significance for Charcot-Marie-Tooth disease type 4B2. Last evaluated: 2018-01-13. Review status: criteria provided, single submitter. Criteria: ICSL Variant Classification Criteria 13 December 2019. Collection method: clinical testing. Allele origin: germline.

NM_030962.4(SBF2):c.4932T>C (p.Ser1644=)

Genes: SBF2 (SET binding factor 2; minus strand), SBF2-AS1 (SBF2 antisense RNA 1; plus strand), LOC105369149 (uncharacterized LOC105369149; plus strand). Cytogenetic location: 11p15.4.
Variant type: single nucleotide variant.
Coding change: c.4932T>C on transcript NM_030962.4 (MANE Select); coding-DNA position 4932, T replaced by C.
Protein change: p.Ser1644=; no amino-acid change (serine 1644 retained).
Molecular consequence: synonymous variant.
Genome position (GRCh38, 1-based): chr11:9,789,109, A>G on the plus strand (T>C on the coding strand, the complement: SBF2 is on the minus strand). VCF-style: chr11-9789109-A-G. GRCh37 (hg19) VCF-style: chr11-9810656-A-G.
Other names: c.5028T>C, p.Ser1676= (NM_001386339.1); c.4803T>C, p.Ser1601= (NM_001386342.1).
Identifiers: ClinVar variation 645027 (VCV000645027.32), dbSNP rs757095964, ClinGen allele CA217608429.